The following is an entry in ClinVar:

NM_000505.4(F12):c.930G>C (p.Arg310Ser)

Gene: F12 (coagulation factor XII; minus strand). Cytogenetic location: 5q35.3.
Variant type: single nucleotide variant.
Coding change: c.930G>C on transcript NM_000505.4 (MANE Select); coding-DNA position 930, G replaced by C.
Protein change: p.Arg310Ser; replaces arginine 310 with serine.
Molecular consequence: missense variant.
Genome position (GRCh38, 1-based): chr5:177,404,284, C>G on the plus strand (G>C on the coding strand, the complement: F12 is on the minus strand). VCF-style: chr5-177404284-C-G. GRCh37 (hg19) VCF-style: chr5-176831285-C-G.
Other names: p.Arg310Ser; short protein forms R310S.
Identifiers: ClinVar variation 352996 (VCV000352996.16), dbSNP rs77098327, ClinGen allele CA3581342.

ClinVar aggregate classification (germline): Benign/Likely benign. Review status: criteria provided, multiple submitters, no conflicts (2 of 4 stars). 6 submissions from 5 submitters: Benign (4); Likely benign (2). Last evaluated 2025-09-28.

Conditions:
Hereditary angioedema type 3 (HAE3). Also called: HAE WITH NORMAL C1 INHIBITOR CONCENTRATION AND FUNCTION; ANGIONEUROTIC EDEMA, HEREDITARY, WITH NORMAL C1 INHIBITOR CONCENTRATION AND FUNCTION; ESTROGEN-RELATED HAE; ESTROGEN-SENSITIVE HAE. Identifiers: Orphanet 100054, MedGen C1857728, MONDO:0012526, OMIM 610618.
Factor XII deficiency disease. Also called: F12 DEFICIENCY; HAF DEFICIENCY; Congenital factor XII deficiency; Reduced factor XII activity. Identifiers: Orphanet 330, MedGen C0015526, MONDO:0009315, OMIM 234000, HP:0004841.

Allele frequency attached by ClinVar (database versions not stated): gnomAD exomes 0.00093; ExAC 0.00120; ESP Exome Variant Server 0.00270; gnomAD 0.00336 and 0.00359; TOPMed 0.00388; 1000 Genomes Project 0.00499; 1000 Genomes Project 30x 0.00547.
gnomAD v4.1: 1,000 of 1,600,816 alleles (0.062%); highest among the groups gnomAD compares: African/African-American, 1.2%; 5 homozygotes.

Submissions (6):

Labcorp Genetics (formerly Invitae), Labcorp
Classification: Benign. Last evaluated: 2025-09-28. Review status: criteria provided, single submitter. Criteria: Invitae Variant Classification Sherloc (09022015). Collection method: clinical testing. Allele origin: germline.

Mayo Clinic Laboratories, Mayo Clinic
Classification: Benign. Last evaluated: 2025-09-10. Review status: criteria provided, single submitter. Criteria: ACMG Guidelines, 2015. Collection method: clinical testing. Allele origin: germline. Observed: 1 variant allele.
Comment: BS1, BS2, BP4_moderate

Blueprint Genetics
Classification: Likely benign. Last evaluated: 2024-11-25. Review status: criteria provided, single submitter. Criteria: ACMG Guidelines, 2015. Collection method: clinical testing. Allele origin: germline.

GeneDx
Classification: Likely benign. Last evaluated: 2021-04-07. Review status: criteria provided, single submitter. Criteria: GeneDx Variant Classification Process June 2021. Collection method: clinical testing. Allele origin: germline. Affected: yes.

Illumina Laboratory Services, Illumina
Classification: Benign for Hereditary angioedema type 3. Last evaluated: 2018-01-12. Review status: criteria provided, single submitter. Criteria: ICSL Variant Classification Criteria 13 December 2019. Collection method: clinical testing. Allele origin: germline.
Comment: This variant was observed in the ICSL laboratory as part of a predisposition screen in an ostensibly healthy population. It had not been previously curated by ICSL or reported in the Human Gene Mutation Database (HGMD: prior to June 1st, 2018), and was therefore a candidate for classification through an automated scoring system. Utilizing variant allele frequency, disease prevalence and penetrance estimates, and inheritance mode, an automated score was calculated to assess if this variant is too frequent to cause the disease. Based on the score and internal cut-off values, a variant classified as benign is not then subjected to further curation. The score for this variant resulted in a classification of benign for this disease.

Illumina Laboratory Services, Illumina
Classification: Benign for Factor XII deficiency disease. Last evaluated: 2018-01-12. Review status: criteria provided, single submitter. Criteria: ICSL Variant Classification Criteria 13 December 2019. Collection method: clinical testing. Allele origin: germline.
Comment: the same text as in the submission from Illumina Laboratory Services, Illumina above.